The following is an entry in ClinVar:

NM_004727.3(SLC24A1):c.2980G>A (p.Ala994Thr)

Gene: SLC24A1 (solute carrier family 24 member 1; plus strand). Cytogenetic location: 15q22.31.
Variant type: single nucleotide variant.
Coding change: c.2980G>A on transcript NM_004727.3 (MANE Select); coding-DNA position 2980, G replaced by A.
Protein change: p.Ala994Thr; replaces alanine 994 with threonine.
Molecular consequence: missense variant.
Genome position (GRCh38, 1-based): chr15:65,652,738, G>A. VCF-style: chr15-65652738-G-A. GRCh37 (hg19) VCF-style: chr15-65945076-G-A.
Other names: c.961G>A, p.Ala321Thr (NM_001254740.2); c.2890G>A, p.Ala964Thr (NM_001301031.1); c.2926G>A, p.Ala976Thr (NM_001301032.1, NM_001301033.2); short protein forms A994T, A321T, A964T, A976T.
Identifiers: ClinVar variation 1437252 (VCV001437252.6), dbSNP rs200052767, ClinGen allele CA7620288.

ClinVar aggregate classification (germline): Uncertain significance. Review status: criteria provided, multiple submitters, no conflicts (2 of 4 stars). 2 submissions from 2 submitters: Uncertain significance (2). Last evaluated 2024-05-24.

Conditions:
Retinal dystrophy. Also called: Inherited retinal dystrophy. Identifiers: Orphanet 71862, MedGen C0854723, MeSH D058499, MONDO:0019118, HP:0000556.

Allele frequency attached by ClinVar (database versions not stated): gnomAD 0.00004 and 0.00005; gnomAD exomes 0.00004 and 0.00007; TOPMed 0.00004; ExAC 0.00005; ESP Exome Variant Server 0.00016.
gnomAD v4.1: 112 of 1,613,674 alleles (0.0069%); highest among the groups gnomAD compares: Non-Finnish European, 0.0086%; no homozygotes.

Submissions (2):

Labcorp Genetics (formerly Invitae), Labcorp
Classification: Uncertain significance. Last evaluated: 2024-05-24. Review status: criteria provided, single submitter. Criteria: Invitae Variant Classification Sherloc (09022015). Collection method: clinical testing. Allele origin: germline.
Comment: This sequence change replaces alanine, which is neutral and non-polar, with threonine, which is neutral and polar, at codon 994 of the SLC24A1 protein (p.Ala994Thr). This variant is present in population databases (rs200052767, gnomAD 0.008%). This missense change has been observed in individual(s) with clinical features of SLC24A1-related conditions (PMID: 12037007). ClinVar contains an entry for this variant (Variation ID: 1437252). An algorithm developed to predict the effect of missense changes on protein structure and function (PolyPhen-2) suggests that this variant is likely to be disruptive. Experimental studies have shown that this missense change does not substantially affect SLC24A1 function (PMID: 12037007). In summary, the available evidence is currently insufficient to determine the role of this variant in disease. Therefore, it has been classified as a Variant of Uncertain Significance.

Institute of Human Genetics, Univ. Regensburg, Univ. Regensburg
Classification: Uncertain significance for Retinal dystrophy. Last evaluated: 2023-01-01. Review status: criteria provided, single submitter. Criteria: ACMG Guidelines, 2015. Collection method: clinical testing. Allele origin: germline. Affected: yes.

Literature cited by the submitters: PubMed 12037007 (cited by Labcorp Genetics (formerly Invitae), Labcorp and Institute of Human Genetics, Univ. Regensburg, Univ. Regensburg).